The following is an entry in ClinVar:

NM_032043.3(BRIP1):c.697A>G (p.Ile233Val)

Gene: BRIP1 (BRCA1 interacting DNA helicase 1; minus strand). Cytogenetic location: 17q23.2.
Variant type: single nucleotide variant.
Coding change: c.697A>G on transcript NM_032043.3 (MANE Select); coding-DNA position 697, A replaced by G.
Protein change: p.Ile233Val; replaces isoleucine 233 with valine.
Molecular consequence: missense variant.
Genome position (GRCh38, 1-based): chr17:61,808,688, T>C on the plus strand (A>G on the coding strand, the complement: BRIP1 is on the minus strand). VCF-style: chr17-61808688-T-C. GRCh37 (hg19) VCF-style: chr17-59886049-T-C.
Other names: short protein forms I233V.
Identifiers: ClinVar variation 491478 (VCV000491478.15), dbSNP rs769535320, ClinGen allele CA8690857.

ClinVar aggregate classification (germline): Uncertain significance. Review status: criteria provided, multiple submitters, no conflicts (2 of 4 stars). 4 submissions from 4 submitters: Uncertain significance (4). Last evaluated 2024-03-07.

Conditions:
Fanconi anemia complementation group J. Also called: BRIP1-Related Fanconi Anemia. Identifiers: Orphanet 84, MedGen C1836860, MONDO:0012187, OMIM 609054.
Familial cancer of breast. Also called: BREAST CANCER, FAMILIAL; hereditary breast carcinoma; Hereditary breast cancer. Identifiers: Orphanet 227535, MedGen C0346153, MONDO:0016419, OMIM 114480. Disease mechanism: loss of function.
Hereditary cancer-predisposing syndrome. Also called: Tumor predisposition; Neoplastic Syndromes, Hereditary; Hereditary Cancer Syndrome; Hereditary neoplastic syndrome. Identifiers: Orphanet 140162, MedGen C0027672, MeSH D009386, MONDO:0015356.

Allele frequency attached by ClinVar (database versions not stated): gnomAD exomes below 0.00001; ExAC 0.00001.
gnomAD v4.1: 2 of 1,613,958 alleles (0.00012%); highest among the groups gnomAD compares: South Asian, 0.0022%; no homozygotes.

Submissions (4):

Labcorp Genetics (formerly Invitae), Labcorp
Classification: Uncertain significance for Familial cancer of breast; Fanconi anemia complementation group J. Last evaluated: 2024-03-07. Review status: criteria provided, single submitter. Criteria: Invitae Variant Classification Sherloc (09022015). Collection method: clinical testing. Allele origin: germline.
Comment: This sequence change replaces isoleucine, which is neutral and non-polar, with valine, which is neutral and non-polar, at codon 233 of the BRIP1 protein (p.Ile233Val). The frequency data for this variant in the population databases is considered unreliable, as metrics indicate poor data quality at this position in the gnomAD database. This variant has not been reported in the literature in individuals affected with BRIP1-related conditions. ClinVar contains an entry for this variant (Variation ID: 491478). Advanced modeling of protein sequence and biophysical properties (such as structural, functional, and spatial information, amino acid conservation, physicochemical variation, residue mobility, and thermodynamic stability) performed at Invitae indicates that this missense variant is not expected to disrupt BRIP1 protein function with a negative predictive value of 80%. In summary, the available evidence is currently insufficient to determine the role of this variant in disease. Therefore, it has been classified as a Variant of Uncertain Significance.

Ambry Genetics
Classification: Uncertain significance for Hereditary cancer-predisposing syndrome. Last evaluated: 2023-09-16. Review status: criteria provided, single submitter. Criteria: Ambry Variant Classification Scheme 2023. Collection method: clinical testing. Allele origin: germline.
Comment: The p.I233V variant (also known as c.697A>G), located in coding exon 6 of the BRIP1 gene, results from an A to G substitution at nucleotide position 697. The isoleucine at codon 233 is replaced by valine, an amino acid with highly similar properties. This amino acid position is not well conserved in available vertebrate species. In addition, this alteration is predicted to be tolerated by in silico analysis. Since supporting evidence is limited at this time, the clinical significance of this alteration remains unclear.

Color Diagnostics, LLC DBA Color Health
Classification: Uncertain significance for Hereditary cancer-predisposing syndrome. Last evaluated: 2019-11-04. Review status: criteria provided, single submitter. Criteria: ACMG Guidelines, 2015. Collection method: clinical testing. Allele origin: germline.
Comment: This missense variant replaces isoleucine with valine at codon 233 of the BRIP1 protein. Computational prediction suggests that this variant may not impact protein structure and function (internally defined REVEL score threshold <= 0.5, PMID: 27666373). Splice site prediction tools suggest that this variant may not impact RNA splicing. To our knowledge, functional studies have not been performed for this variant. This variant has not been reported in individuals affected with hereditary cancer in the literature. This variant has been identified in 1/251144 chromosomes in the general population by the Genome Aggregation Database (gnomAD). The available evidence is insufficient to determine the role of this variant in disease conclusively. Therefore, this variant is classified as a Variant of Uncertain Significance.

Women's Health and Genetics/Laboratory Corporation of America, LabCorp
Classification: Uncertain significance. Last evaluated: 2018-03-05. Review status: criteria provided, single submitter. Criteria: LabCorp Variant Classification Summary - May 2015. Collection method: clinical testing. Allele origin: germline.
Comment: Variant summary: BRIP1 c.697A>G (p.Ile233Val) results in a conservative amino acid change located in the Helicase superfamily 1/2, ATP-binding domain, DinG/Rad3-type of the encoded protein sequence. Five of five in-silico tools predict a benign effect of the variant on protein function. The variant was absent in 245854 control chromosomes. The available data on variant occurrences in the general population are insufficient to allow any conclusion about variant significance. To our knowledge, no occurrence of c.697A>G in individuals affected with Hereditary Breast and Ovarian Cancer and no experimental evidence demonstrating its impact on protein function have been reported. One clinical diagnostic laboratory has submitted clinical-significance assessments for this variant to ClinVar after 2014 without evidence for independent evaluation, and classified the variant as uncertain significance. Based on the evidence outlined above, the variant was classified as uncertain significance.